The following is an entry in ClinVar:

ClinVar aggregate classification (germline): Uncertain significance (1 of 4 stars; one submission).

Submission:

GeneDx
Classification: Uncertain significance. Last evaluated: 2023-01-12. Review status: criteria provided, single submitter. Criteria: GeneDx Variant Classification Process June 2021. Collection method: clinical testing. Allele origin: germline. Affected: yes.
Comment: Not observed at significant frequency in large population cohorts (gnomAD); In silico analysis supports that this missense variant does not alter protein structure/function; Has not been previously published as pathogenic or benign to our knowledge

NM_018263.6(ASXL2):c.2045C>T (p.Ala682Val)

Gene: ASXL2 (ASXL transcriptional regulator 2; minus strand). Cytogenetic location: 2p23.3.
Variant type: single nucleotide variant.
Coding change: c.2045C>T on transcript NM_018263.6 (MANE Select); coding-DNA position 2045, C replaced by T.
Protein change: p.Ala682Val; replaces alanine 682 with valine.
Molecular consequence: missense variant.
Genome position (GRCh38, 1-based): chr2:25,744,292, G>A on the plus strand (C>T on the coding strand, the complement: ASXL2 is on the minus strand). VCF-style: chr2-25744292-G-A. GRCh37 (hg19) VCF-style: chr2-25967161-G-A.
Other names: c.1871C>T, p.Ala624Val (NM_001369346.1); c.1265C>T, p.Ala422Val (NM_001369347.1); short protein forms A422V, A624V, A682V.
Identifiers: ClinVar variation 2572829 (VCV002572829.1), dbSNP rs2465307366, ClinGen allele CA346082312.